The following is an entry in ClinVar:

ClinVar aggregate classification (germline): Likely benign. Review status: criteria provided, multiple submitters, no conflicts (2 of 4 stars). 2 submissions from 2 submitters: Likely benign (2). Last evaluated 2026-01-06.

Conditions:
BAP1-related tumor predisposition syndrome (TPDS1). Also called: Tumor susceptibility linked to germline BAP1 mutations; BAP1 tumor predisposition syndrome; COMMON Syndrome; TUMOR PREDISPOSITION SYNDROME 1. Identifiers: Orphanet 289539, MedGen C3280492, MONDO:0013692, OMIM 614327.

gnomAD v4.1: 8 of 1,613,832 alleles (0.0005%); highest among the groups gnomAD compares: Non-Finnish European, 0.00068%; no homozygotes.

Submissions (2):

Labcorp Genetics (formerly Invitae), Labcorp
Classification: Likely benign for BAP1-related tumor predisposition syndrome. Last evaluated: 2026-01-06. Review status: criteria provided, single submitter. Criteria: Invitae Variant Classification Sherloc (09022015). Collection method: clinical testing. Allele origin: germline.

Myriad Genetics, Inc.
Classification: Likely benign for BAP1-related tumor predisposition syndrome. Last evaluated: 2024-07-11. Review status: criteria provided, single submitter. Criteria: Myriad Autosomal Dominant, Autosomal Recessive and X-Linked Classification Criteria (2023). Collection method: clinical testing. Allele origin: unknown.
Comment: This variant is considered likely benign. This variant is intronic and is not expected to impact mRNA splicing.

NM_004656.4(BAP1):c.38-7C>T

Gene: BAP1 (BRCA1 associated deubiquitinase 1; minus strand). Cytogenetic location: 3p21.1.
Variant type: single nucleotide variant.
Coding change: c.38-7C>T on transcript NM_004656.4 (MANE Select); 7 bases into the intron before coding-DNA position 38, C replaced by T.
Molecular consequence: intron variant.
Genome position (GRCh38, 1-based): chr3:52,409,750, G>A on the plus strand (C>T on the coding strand, the complement: BAP1 is on the minus strand). VCF-style: chr3-52409750-G-A. GRCh37 (hg19) VCF-style: chr3-52443766-G-A.
Identifiers: ClinVar variation 1146796 (VCV001146796.8), dbSNP rs2153228642, ClinGen allele CA2499216958.